The following is an entry in ClinVar:

NM_001276270.2(MBD4):c.1288A>G (p.Lys430Glu)

Gene: MBD4 (methyl-CpG binding domain 4, DNA glycosylase; minus strand). Cytogenetic location: 3q21.3.
Variant type: single nucleotide variant.
Coding change: c.1288A>G on transcript NM_001276270.2 (MANE Select); coding-DNA position 1288, A replaced by G.
Protein change: p.Lys430Glu; replaces lysine 430 with glutamic acid.
Molecular consequence: missense variant.
Genome position (GRCh38, 1-based): chr3:129,433,955, T>C on the plus strand (A>G on the coding strand, the complement: MBD4 is on the minus strand). VCF-style: chr3-129433955-T-C. GRCh37 (hg19) VCF-style: chr3-129152798-T-C.
Other names: c.1306A>G, p.Lys436Glu (NM_001276271.2, NM_001276272.2, NM_003925.3); c.352A>G, p.Lys118Glu (NM_001276273.2); short protein forms K118E, K436E, K430E.
Identifiers: ClinVar variation 2698211 (VCV002698211.4), dbSNP rs2530705110, ClinGen allele CA354466015.
Genomic context (GRCh38, chr3:129,433,955, plus strand): 5'-GATCATGAAAAAGTGTTTCTTGAACGAGATTAAAAGGTGACCGAGGAGGTGTCCATTTCT[T>C]AAAGGCTTTACGTCGTGGGGGGCTAAGAGCTAAACAAACATAGTGCATCAGAATTGAAAA-3'
Protein context (NP_001263199.1, residues 420-440): ALSPPRRKAF[Lys430Glu]KWTPPRSPFN

ClinVar aggregate classification (germline): Uncertain significance. Review status: criteria provided, multiple submitters, no conflicts (2 of 4 stars). 2 submissions from 2 submitters: Uncertain significance (2). Last evaluated 2025-04-07.

Conditions:
Inborn genetic diseases. Identifiers: MedGen C0950123, MeSH D030342.

Submissions (2):

Ambry Genetics
Classification: Uncertain significance for Inborn genetic diseases. Last evaluated: 2025-04-07. Review status: criteria provided, single submitter. Criteria: Ambry Variant Classification Scheme 2023. Collection method: clinical testing. Allele origin: germline.
Comment: The p.K430E variant (also known as c.1288A>G), located in coding exon 5 of the MBD4 gene, results from an A to G substitution at nucleotide position 1288. The lysine at codon 430 is replaced by glutamic acid, an amino acid with similar properties. This amino acid position is conserved. In addition, the in silico prediction for this alteration is inconclusive. Based on the available evidence, the clinical significance of this variant remains unclear.

Labcorp Genetics (formerly Invitae), Labcorp
Classification: Uncertain significance. Last evaluated: 2023-11-24. Review status: criteria provided, single submitter. Criteria: Invitae Variant Classification Sherloc (09022015). Collection method: clinical testing. Allele origin: germline.
Comment: This sequence change replaces lysine, which is basic and polar, with glutamic acid, which is acidic and polar, at codon 436 of the MBD4 protein (p.Lys436Glu). This variant is not present in population databases (gnomAD no frequency). This variant has not been reported in the literature in individuals affected with MBD4-related conditions. An algorithm developed to predict the effect of missense changes on protein structure and function (PolyPhen-2) suggests that this variant is likely to be disruptive. In summary, the available evidence is currently insufficient to determine the role of this variant in disease. Therefore, it has been classified as a Variant of Uncertain Significance.